The following is an entry in ClinVar:

ClinVar aggregate classification (germline): Pathogenic (1 of 4 stars; one submission).

Conditions:
Lynch syndrome 5 (LYNCH5). Also called: Colorectal cancer, hereditary nonpolyposis, type 5; Hereditary non-polyposis colorectal cancer, type 5. Identifiers: Orphanet 144, MedGen C1833477, MONDO:0013710, OMIM 614350. Disease mechanism: loss of function.

Submission:

Myriad Genetics, Inc.
Classification: Pathogenic for Lynch syndrome 5. Last evaluated: 2023-07-07. Review status: criteria provided, single submitter. Criteria: Myriad Autosomal Dominant, Autosomal Recessive and X-Linked Classification Criteria (2023). Collection method: clinical testing. Allele origin: unknown.
Comment: This variant is considered pathogenic. This variant creates a frameshift predicted to result in premature protein truncation.

NM_000179.3(MSH6):c.3863_3876del (p.Lys1288fs)

Gene: MSH6 (mutS homolog 6; plus strand). Cytogenetic location: 2p16.3.
Variant type: Deletion.
Coding change: c.3863_3876del on transcript NM_000179.3 (MANE Select); coding-DNA positions 3863 to 3876, 14 bases deleted (AATTCATTAAGGGA).
Protein change: p.Lys1288fs; shifts the reading frame from lysine 1288.
Molecular consequence: frameshift variant. On other transcripts: non-coding transcript variant (5), intron variant (1).
Genome position (GRCh38, 1-based): chr2:47,806,513-47,806,526, AATTCATTAAGGGA deleted; deleting any 14 consecutive bases within chr2:47,806,512-47,806,526 gives the same sequence; the c. name uses the placement nearest the transcript's 3' end. VCF-style (leftmost placement, unchanged base first): chr2-47806511-TAAATTCATTAAGGG-T. GRCh37 (hg19) VCF-style: chr2-48033650-TAAATTCATTAAGGG-T.
Other names: c.3473_3486del, p.Lys1158fs (NM_001281492.2); c.2957_2970del, p.Lys986fs (NM_001281493.2, NM_001281494.2, NM_001406811.1 and 6 more transcripts); c.3959_3972del, p.Lys1320fs (NM_001406795.1); c.3863_3876del, p.Lys1288fs (NM_001406796.1, NM_001406808.1, NM_001406809.1); c.3566_3579del, p.Lys1189fs (NM_001406797.1, NM_001406801.1, NM_001406805.1 and 10 more transcripts); c.3689_3702del, p.Lys1230fs (NM_001406798.1); c.3338_3351del, p.Lys1113fs (NM_001406799.1, NM_001406806.1, NM_001406807.1); c.3850_3863del, p.Asn1284fs (NM_001406800.1); and 9 more; short protein forms K1000fs, K1113fs, K1158fs, K1189fs, K1230fs, K1232fs, K1262fs, K1288fs.
Identifiers: ClinVar variation 2673776 (VCV002673776.1), dbSNP rs2530862727, ClinGen allele CA2695200639.